The following is an entry in ClinVar:

ClinVar aggregate classification (germline): Conflicting classifications of pathogenicity. Review status: criteria provided, conflicting classifications (1 of 4 stars). 2 submissions from 2 submitters: Uncertain significance (1); Likely benign (1). Last evaluated 2024-08-05.

Conditions:
Inborn genetic diseases. Identifiers: MedGen C0950123, MeSH D030342.

Allele frequency attached by ClinVar (database versions not stated): ExAC 0.00023; TOPMed 0.00028.
gnomAD v4.1: 368 of 1,613,582 alleles (0.023%); highest among the groups gnomAD compares: Middle Eastern, 0.23%; no homozygotes.

Submissions (2):

Ambry Genetics
Classification: Uncertain significance for Inborn genetic diseases. Last evaluated: 2024-08-05. Review status: criteria provided, single submitter. Criteria: Ambry Variant Classification Scheme 2023. Collection method: clinical testing. Allele origin: germline.

CeGaT Center for Human Genetics Tuebingen
Classification: Likely benign. Last evaluated: 2023-03-01. Review status: criteria provided, single submitter. Criteria: CeGaT Center For Human Genetics Tuebingen Variant Classification Criteria Version 2. Collection method: clinical testing. Allele origin: germline. Affected: yes. Observed: 1 variant allele.
Comment: FLG: BP4

NM_002016.2(FLG):c.4727T>A (p.Val1576Glu)

Genes: CCDST (cervical cancer associated DHX9 suppressive transcript; plus strand), FLG (filaggrin; minus strand). Cytogenetic location: 1q21.3.
Variant type: single nucleotide variant.
Coding change: c.4727T>A on transcript NM_002016.2 (MANE Select); coding-DNA position 4727, T replaced by A.
Protein change: p.Val1576Glu; replaces valine 1576 with glutamic acid.
Molecular consequence: missense variant.
Genome position (GRCh38, 1-based): chr1:152,310,159, A>T on the plus strand (T>A on the coding strand, the complement: FLG is on the minus strand). VCF-style: chr1-152310159-A-T. GRCh37 (hg19) VCF-style: chr1-152282635-A-T.
Other names: short protein forms V1576E.
Identifiers: ClinVar variation 2358904 (VCV002358904.27), dbSNP rs142456327, ClinGen allele CA1106085.
Genomic context (GRCh38, chr1:152,310,159, plus strand): 5'-TGACTAACACTGGATCCCTGGCGCCTGCTTGTCTTGGACCCCGCTGATTCTCCCTGGCCC[A>T]CCTGTGAGTGTCTAGAGCTGCCGGCCCGAGTGGAAGGTTCATGGTGACGTGACCCTGAGT-3'
Protein context (NP_002007.1, residues 1566-1586): TRAGSSRHSQ[Val1576Glu]GQGESAGSKT